The following is an entry in ClinVar:

NM_000038.6(APC):c.4119T>G (p.Pro1373=)

Gene: APC (APC regulator of Wnt signaling pathway; plus strand). Cytogenetic location: 5q22.2.
Variant type: single nucleotide variant.
Coding change: c.4119T>G on transcript NM_000038.6 (MANE Select); coding-DNA position 4119, T replaced by G.
Protein change: p.Pro1373=; no amino-acid change (proline 1373 retained).
Molecular consequence: synonymous variant.
Genome position (GRCh38, 1-based): chr5:112,839,713, T>G. VCF-style: chr5-112839713-T-G. GRCh37 (hg19) VCF-style: chr5-112175410-T-G.
Other names: c.4119T>G, p.Pro1373= (NM_001127510.3, NM_001354895.2); c.4065T>G, p.Pro1355= (NM_001127511.3); c.4173T>G, p.Pro1391= (NM_001354896.2); c.4149T>G, p.Pro1383= (NM_001354897.2); c.4044T>G, p.Pro1348= (NM_001354898.2); c.4035T>G, p.Pro1345= (NM_001354899.2); c.3996T>G, p.Pro1332= (NM_001354900.2); c.3942T>G, p.Pro1314= (NM_001354901.2); and 5 more.
Identifiers: ClinVar variation 629820 (VCV000629820.11), dbSNP rs1248565162, ClinGen allele CA445964131.
Genomic context (GRCh38, chr5:112,839,713, plus strand): 5'-ATTTTCTTCAGGAGCGAAATCTCCCTCCAAAAGTGGTGCTCAGACACCCAAAAGTCCACC[T>G]GAACACTATGTTCAGGAGACCCCACTCATGTTTAGCAGATGTACTTCTGTCAGTTCACTT-3'
Protein context (NP_000029.2, residues 1363-1383): KSGAQTPKSP[Pro1373=]EHYVQETPLM

ClinVar aggregate classification (germline): Benign/Likely benign. Review status: criteria provided, multiple submitters, no conflicts (2 of 4 stars). 4 submissions from 4 submitters: Benign (1); Likely benign (3). Last evaluated 2024-03-25.

Conditions:
Hereditary cancer-predisposing syndrome. Also called: Neoplastic Syndromes, Hereditary; Tumor predisposition; Hereditary neoplastic syndrome; Hereditary Cancer Syndrome. Identifiers: Orphanet 140162, MedGen C0027672, MeSH D009386, MONDO:0015356.
Familial adenomatous polyposis 1 (FAP1). Also called: POLYPOSIS, ADENOMATOUS INTESTINAL; FAMILIAL ADENOMATOUS POLYPOSIS 1, ATTENUATED. Identifiers: MedGen C2713442, MONDO:0021056, OMIM 175100. Disease mechanism: loss of function.

Submissions (4):

Myriad Genetics, Inc.
Classification: Benign for Familial adenomatous polyposis 1. Last evaluated: 2024-03-25. Review status: criteria provided, single submitter. Criteria: Myriad Autosomal Dominant, Autosomal Recessive and X-Linked Classification Criteria (2023). Collection method: clinical testing. Allele origin: unknown.
Comment: This variant is considered benign. This variant is a silent/synonymous amino acid change and it is not expected to impact splicing.

Labcorp Genetics (formerly Invitae), Labcorp
Classification: Likely benign for Familial adenomatous polyposis 1. Last evaluated: 2021-12-16. Review status: criteria provided, single submitter. Criteria: Invitae Variant Classification Sherloc (09022015). Collection method: clinical testing. Allele origin: germline.

Ambry Genetics
Classification: Likely benign for Hereditary cancer-predisposing syndrome. Last evaluated: 2018-11-14. Review status: criteria provided, single submitter. Criteria: Ambry Variant Classification Scheme 2023. Collection method: clinical testing. Allele origin: germline.

Color Diagnostics, LLC DBA Color Health
Classification: Likely benign for Hereditary cancer-predisposing syndrome. Last evaluated: 2018-10-22. Review status: criteria provided, single submitter. Criteria: ACMG Guidelines, 2015. Collection method: clinical testing. Allele origin: germline.